The following is an entry in ClinVar:

NM_005526.4(HSF1):c.1137G>A (p.Leu379=)

Gene: HSF1 (heat shock transcription factor 1; plus strand). Cytogenetic location: 8q24.3.
Variant type: single nucleotide variant.
Coding change: c.1137G>A on transcript NM_005526.4 (MANE Select); coding-DNA position 1137, G replaced by A.
Protein change: p.Leu379=; no amino-acid change (leucine 379 retained).
Molecular consequence: synonymous variant.
Genome position (GRCh38, 1-based): chr8:144,312,239, G>A. VCF-style: chr8-144312239-G-A. GRCh37 (hg19) VCF-style: chr8-145535925-G-A.
Identifiers: ClinVar variation 4085075 (VCV004085075.8).
Genomic context (GRCh38, chr8:144,312,239, plus strand): 5'-CCGGCCTCCCTCCCCCCCGCCCACCTCCACCCCTGAAAAGTGCCTCAGCGTAGCCTGCCT[G>A]GACAAGTGAGTGCCGCCCACCCCTGGCCCCACCCACAGCGCCTGGACGCACAGCCCTGGG-3'
Protein context (NP_005517.1, residues 369-389): TPEKCLSVAC[Leu379=]DKNELSDHLD

ClinVar aggregate classification (germline): Likely benign (1 of 4 stars; one submission).

Submission:

CeGaT Center for Human Genetics Tuebingen
Classification: Likely benign. Last evaluated: 2025-07-01. Review status: criteria provided, single submitter. Criteria: CeGaT Center For Human Genetics Tuebingen Variant Classification Criteria Version 2. Collection method: clinical testing. Allele origin: germline. Affected: yes. Observed: 1 variant allele.
Comment: HSF1: BP4, BP7